The following is an entry in ClinVar:

ClinVar aggregate classification (germline): Benign/Likely benign. Review status: criteria provided, single submitter (1 of 4 stars). 2 submissions from 1 submitter: Benign (1); Likely benign (1). Last evaluated 2017-04-27.

Conditions:
Autosomal recessive nonsyndromic hearing loss 31. Also called: WHIRLER, MOUSE, HOMOLOG OF. Identifiers: Orphanet 90636, MedGen C1846839, MONDO:0011767, OMIM 607084.
Usher syndrome type 2D. Also called: USHER SYNDROME, TYPE IID. Identifiers: Orphanet 231178, Orphanet 886, MedGen C1568249, MONDO:0012662, OMIM 611383.

Allele frequency attached by ClinVar (database versions not stated): gnomAD exomes 0.00185; TOPMed 0.00266; 1000 Genomes Project 30x 0.00640; 1000 Genomes Project 0.00739.
gnomAD v4.1: 527 of 322,006 alleles (0.16%); highest among the groups gnomAD compares: East Asian, 2.7%; 3 homozygotes.

Submissions (2):

Illumina Laboratory Services, Illumina
Classification: Likely benign for Autosomal recessive nonsyndromic hearing loss 31. Last evaluated: 2017-04-27. Review status: criteria provided, single submitter. Criteria: ICSL Variant Classification Criteria 13 December 2019. Collection method: clinical testing. Allele origin: germline.
Comment: This variant was observed as part of a predisposition screen in an ostensibly healthy population. A literature search was performed for the gene, cDNA change, and amino acid change (where applicable). Publications were found based on this search. The evidence from the literature, in combination with allele frequency data from public databases where available, was sufficient to determine this variant is unlikely to cause disease. Therefore, this variant is classified as likely benign.

Illumina Laboratory Services, Illumina
Classification: Benign for Usher syndrome type 2D. Last evaluated: 2017-04-27. Review status: criteria provided, single submitter. Criteria: ICSL Variant Classification Criteria 13 December 2019. Collection method: clinical testing. Allele origin: germline.
Comment: This variant was observed as part of a predisposition screen in an ostensibly healthy population. A literature search was performed for the gene, cDNA change, and amino acid change (where applicable). No publications were found based on this search. Allele frequency data from public databases was too high to be consistent with this variant causing disease. Therefore, this variant is classified as benign.

Literature cited by the submitters: PubMed 21654738.

NM_015404.4(WHRN):c.-314C>T

Gene: WHRN (whirlin; minus strand). Cytogenetic location: 9q32.
Variant type: single nucleotide variant.
Coding change: c.-314C>T on transcript NM_015404.4 (MANE Select); 314 bases upstream of the start codon, C replaced by T.
Molecular consequence: 5 prime UTR variant.
Genome position (GRCh38, 1-based): chr9:114,505,115, G>A on the plus strand (C>T on the coding strand, the complement: WHRN is on the minus strand). VCF-style: chr9-114505115-G-A. GRCh37 (hg19) VCF-style: chr9-117267395-G-A.
Other names: c.-314C>T (NM_001173425.2).
Identifiers: ClinVar variation 913079 (VCV000913079.4), dbSNP rs57258861, ClinGen allele CA198660694.